The following is an entry in ClinVar:

ClinVar aggregate classification (germline): Likely pathogenic (1 of 4 stars; one submission).

Submission:

Labcorp Genetics (formerly Invitae), Labcorp
Classification: Likely pathogenic. Last evaluated: 2023-11-25. Review status: criteria provided, single submitter. Criteria: Invitae Variant Classification Sherloc (09022015). Collection method: clinical testing. Allele origin: germline.
Comment: This sequence change affects a donor splice site in intron 10 of the MSH3 gene. RNA analysis indicates that disruption of this splice site induces altered splicing and may result in an absent or disrupted protein product. This variant is not present in population databases (gnomAD no frequency). This variant has not been reported in the literature in individuals affected with MSH3-related conditions. Studies have shown that disruption of this splice site results in skipping of exon 10 and introduces a premature termination codon (Invitae). The resulting mRNA is expected to undergo nonsense-mediated decay. In summary, the currently available evidence indicates that the variant is pathogenic, but additional data are needed to prove that conclusively. Therefore, this variant has been classified as Likely Pathogenic.

NM_002439.5(MSH3):c.1568+2T>C

Gene: MSH3 (mutS homolog 3; plus strand). Cytogenetic location: 5q14.1.
Variant type: single nucleotide variant.
Coding change: c.1568+2T>C on transcript NM_002439.5 (MANE Select); the canonical splice donor site of the intron after coding-DNA position 1568, T replaced by C.
Molecular consequence: splice donor variant.
Genome position (GRCh38, 1-based): chr5:80,728,967, T>C. VCF-style: chr5-80728967-T-C. GRCh37 (hg19) VCF-style: chr5-80024786-T-C.
Identifiers: ClinVar variation 2841210 (VCV002841210.3), dbSNP rs2546754746, ClinGen allele CA360274398.